The following is an entry in ClinVar:

ClinVar aggregate classification (germline): Pathogenic. Review status: criteria provided, single submitter (1 of 4 stars). 2 submissions from 1 submitter: Pathogenic (2). Last evaluated 2021-06-10.

Conditions:
ARID1B-related BAFopathy.
Coffin-Siris syndrome 1 (CSS1). Also called: Mental retardation, autosomal dominant 12; ARID1B-Related Coffin-Siris Syndrome. Identifiers: Orphanet 1465, MedGen C3281201, MONDO:0007617, OMIM 135900. Disease mechanism: gain of function.

Submissions (2):

Baylor Genetics
Classification: Pathogenic for ARID1B-related BAFopathy. Last evaluated: 2021-06-10. Review status: criteria provided, single submitter. Criteria: ACMG Guidelines, 2015. Collection method: clinical testing. Allele origin: de novo. Affected: yes.

Baylor Genetics
Classification: Pathogenic for Coffin-Siris syndrome 1. Last evaluated: 2017-09-01. Review status: criteria provided, single submitter. Criteria: ACMG Guidelines, 2015. Collection method: clinical testing. Allele origin: de novo. Inheritance: Autosomal dominant inheritance. Affected: yes.
Comment: This nonsense mutation is categorized as deleterious according to ACMG guidelines (PMID:18414213).

Literature cited by the submitters: PubMed 25326635.

NM_001374828.1(ARID1B):c.2038C>T (p.Gln680Ter)

Gene: ARID1B (AT-rich interaction domain 1B; plus strand). Cytogenetic location: 6q25.3.
Variant type: single nucleotide variant.
Coding change: c.2038C>T on transcript NM_001374828.1 (MANE Select); coding-DNA position 2038, C replaced by T.
Protein change: p.Gln680Ter; replaces glutamine 680 with a stop codon.
Molecular consequence: nonsense.
Genome position (GRCh38, 1-based): chr6:156,901,427, C>T. VCF-style: chr6-156901427-C-T. GRCh37 (hg19) VCF-style: chr6-157222561-C-T.
Other names: c.2077C>T, p.Gln693Ter (NM_001371656.1, NM_001374820.1); c.1828C>T, p.Gln610Ter (NM_020732.3); c.2038C>T, p.Gln680Ter (NM_017519.3); short protein forms Q610*, Q680*, Q693*.
Identifiers: ClinVar variation 560948 (VCV000560948.3), dbSNP rs1554265271, ClinGen allele CA366380713.
Genomic context (GRCh38, chr6:156,901,427, plus strand): 5'-TTTTGACAGATGCCACCTCAGTATGGACAGCAAGGTGTGAGTGGTTACTGCCAGCAGGGC[C>T]AACAGCCATATTACAGCCAGCAGCCGCAGCCCCCGCACCTCCCACCCCAGGCGCAGTATC-3'